The following is an entry in ClinVar:

ClinVar aggregate classification (germline): Uncertain significance (1 of 4 stars; one submission).

Conditions:
Autoimmune lymphoproliferative syndrome type 2A (ALPS2A). Also called: AUTOIMMUNE LYMPHOPROLIFERATIVE SYNDROME, TYPE IIA; CASP10-Related Autoimmune Lymphoproliferative Syndrome; Autoimmune lymphoproliferative syndrome type 2. Identifiers: Orphanet 3261, MedGen C1858968, MONDO:0011383, OMIM 603909.

Submission:

Labcorp Genetics (formerly Invitae), Labcorp
Classification: Uncertain significance for Autoimmune lymphoproliferative syndrome type 2A. Last evaluated: 2024-03-18. Review status: criteria provided, single submitter. Criteria: Invitae Variant Classification Sherloc (09022015). Collection method: clinical testing. Allele origin: germline.
Comment: This sequence change replaces leucine, which is neutral and non-polar, with serine, which is neutral and polar, at codon 227 of the CASP10 protein (p.Leu227Ser). This variant is not present in population databases (gnomAD no frequency). This variant has not been reported in the literature in individuals affected with CASP10-related conditions. Algorithms developed to predict the effect of missense changes on protein structure and function output the following: SIFT: "Not Available"; PolyPhen-2: "Benign"; Align-GVGD: "Not Available". The serine amino acid residue is found in multiple mammalian species, which suggests that this missense change does not adversely affect protein function. In summary, the available evidence is currently insufficient to determine the role of this variant in disease. Therefore, it has been classified as a Variant of Uncertain Significance.

NM_032977.4(CASP10):c.680T>C (p.Leu227Ser)

Gene: CASP10 (caspase 10; plus strand). Cytogenetic location: 2q33.1.
Variant type: single nucleotide variant.
Coding change: c.680T>C on transcript NM_032977.4 (MANE Select); coding-DNA position 680, T replaced by C.
Protein change: p.Leu227Ser; replaces leucine 227 with serine.
Molecular consequence: missense variant.
Genome position (GRCh38, 1-based): chr2:201,195,944, T>C. VCF-style: chr2-201195944-T-C. GRCh37 (hg19) VCF-style: chr2-202060667-T-C.
Other names: c.680T>C, p.Leu227Ser (NM_001206524.2, NM_001206542.2, NM_001230.5 and 3 more transcripts); short protein forms L227S.
Identifiers: ClinVar variation 3763430 (VCV003763430.2).